The following is an entry in ClinVar:

ClinVar aggregate classification (germline): Uncertain significance. Review status: criteria provided, multiple submitters, no conflicts (2 of 4 stars). 2 submissions from 2 submitters: Uncertain significance (2). Last evaluated 2026-04-06.

Conditions:
Spastic paraplegia. Identifiers: MedGen C0037772, HP:0001258.

Allele frequency attached by ClinVar (database versions not stated): gnomAD 0.00001; gnomAD exomes 0.00001; TOPMed 0.00003.
gnomAD v4.1: 16 of 1,613,836 alleles (0.00099%); highest among the groups gnomAD compares: African/African-American, 0.0013%; no homozygotes.

Submissions (2):

Women's Health and Genetics/Laboratory Corporation of America, LabCorp
Classification: Uncertain significance. Last evaluated: 2026-04-06. Review status: criteria provided, single submitter. Criteria: LabCorp Variant Classification Summary - May 2015. Collection method: clinical testing. Allele origin: germline.
Comment: Variant summary: ZFYVE26 c.5599T>C (p.Cys1867Arg) results in a non-conservative amino acid change in the encoded protein sequence. Algorithms developed to predict the effect of missense changes on protein structure and function all suggest that this variant is likely to be disruptive. The variant allele was found at a frequency of 4e-06 in 251162 control chromosomes. The available data on variant occurrences in the general population are insufficient to allow any conclusion about variant significance. To our knowledge, no occurrence of c.5599T>C in individuals affected with ZFYVE26-related conditions and no experimental evidence demonstrating its impact on protein function have been reported. ClinVar contains an entry for this variant (Variation ID: 1963265). Based on the evidence outlined above, the variant was classified as uncertain significance.

Labcorp Genetics (formerly Invitae), Labcorp
Classification: Uncertain significance for Spastic paraplegia. Last evaluated: 2022-12-20. Review status: criteria provided, single submitter. Criteria: Invitae Variant Classification Sherloc (09022015). Collection method: clinical testing. Allele origin: germline.
Comment: This sequence change replaces cysteine, which is neutral and slightly polar, with arginine, which is basic and polar, at codon 1867 of the ZFYVE26 protein (p.Cys1867Arg). This variant is present in population databases (no rsID available, gnomAD 0.007%). This variant has not been reported in the literature in individuals affected with ZFYVE26-related conditions. Algorithms developed to predict the effect of missense changes on protein structure and function are either unavailable or do not agree on the potential impact of this missense change (SIFT: "Deleterious"; PolyPhen-2: "Probably Damaging"; Align-GVGD: "Class C0"). In summary, the available evidence is currently insufficient to determine the role of this variant in disease. Therefore, it has been classified as a Variant of Uncertain Significance.

NM_015346.4(ZFYVE26):c.5599T>C (p.Cys1867Arg)

Gene: ZFYVE26 (zinc finger FYVE-type containing 26; minus strand). Cytogenetic location: 14q24.1.
Variant type: single nucleotide variant.
Coding change: c.5599T>C on transcript NM_015346.4 (MANE Select); coding-DNA position 5599, T replaced by C.
Protein change: p.Cys1867Arg; replaces cysteine 1867 with arginine.
Molecular consequence: missense variant.
Genome position (GRCh38, 1-based): chr14:67,769,616, A>G on the plus strand (T>C on the coding strand, the complement: ZFYVE26 is on the minus strand). VCF-style: chr14-67769616-A-G. GRCh37 (hg19) VCF-style: chr14-68236333-A-G.
Other names: short protein forms C1867R.
Identifiers: ClinVar variation 1963265 (VCV001963265.6), dbSNP rs1472017304, ClinGen allele CA390166947.